The following is an entry in ClinVar:

ClinVar aggregate classification (somatic clinical impact): Tier I - Strong (1 of 4 stars; one submission).

Conditions:
Diffuse midline glioma, H3 K27M-mutant. Identifiers: MedGen C4289688, MONDO:0957196.

Submission:

Institute for Genomic Medicine (IGM) Clinical Laboratory, Nationwide Children's Hospital
Classification: Tier I - Strong for Diffuse midline glioma, H3 K27M-mutant. Assertion type: diagnostic. Clinical significance: supports diagnosis. Last evaluated: 2023-08-28. Review status: criteria provided, single submitter. Criteria: AMP/ASCO/CAP Guidelines, 2017. Collection method: clinical testing. Allele origin: somatic. Affected: yes.
Comment: Variant has Tier I (strong) clinical significance as a diagnostic inclusion criterion in diffuse midline glioma, H3 K27M-mutant, based on the following evidence: 1) Documented in one or more cancer databases (e.g., St. Jude Pecan, COSMIC, CIViC, OncoKB). 2) Appears in one or more well-established professional guidelines (e.g., World Health Organization [WHO]; National Comprehensive Cancer Network [NCCN]) as providing diagnostic, prognostic, or therapeutic information. 3) Information in the literature supports potential biologic effect of variant (PMID: 30961830). 4) Diagnostic for a specific tumor type/classification based on well-powered studies with expert-level consensus (Evidence Level B; PMIDs: 27048880, 28966033, 29967352, 31348837, 32555164, 32680567).

Literature cited by the submitters: PubMed 30961830; PubMed 27048880; PubMed 28966033; PubMed 29967352; PubMed 31348837; PubMed 32555164; PubMed 32680567.

NM_181523.3(PIK3R1):c.1353_1358del (p.Glu451_Asn453delinsAsp)

Gene: PIK3R1 (phosphoinositide-3-kinase regulatory subunit 1; plus strand). Cytogenetic location: 5q13.1.
Variant type: Deletion.
Coding change: c.1353_1358del on transcript NM_181523.3 (MANE Select); coding-DNA positions 1353 to 1358, 6 bases deleted (ATATAA; older notation c.1353_1358delATATAA).
Protein change: p.Glu451_Asn453delinsAsp.
Molecular consequence: inframe indel.
Genome position (GRCh38, 1-based): chr5:68,293,762-68,293,767, ATATAA deleted; deleting any 6 consecutive bases within chr5:68,293,761-68,293,767 gives the same sequence; the c. name uses the placement nearest the transcript's 3' end. VCF-style (leftmost placement, unchanged base first): chr5-68293760-GAATATA-G. GRCh37 (hg19) VCF-style: chr5-67589588-GAATATA-G.
Other names: c.264_269del, p.Glu88_Asn90delinsAsp (NM_001242466.2); c.543_548del, p.Glu181_Asn183delinsAsp (NM_181504.4); c.453_458del, p.Glu151_Asn153delinsAsp (NM_181524.2).
Identifiers: ClinVar variation 4530380 (VCV004530380.1).